The following is an entry in ClinVar:

NM_001379291.1(BRD4):c.2204A>G (p.Gln735Arg)

Gene: BRD4 (bromodomain containing 4; minus strand). Cytogenetic location: 19p13.12.
Variant type: single nucleotide variant.
Coding change: c.2204A>G on transcript NM_001379291.1 (MANE Select); coding-DNA position 2204, A replaced by G.
Protein change: p.Gln735Arg; replaces glutamine 735 with arginine.
Molecular consequence: missense variant.
Genome position (GRCh38, 1-based): chr19:15,244,717, T>C on the plus strand (A>G on the coding strand, the complement: BRD4 is on the minus strand). VCF-style: chr19-15244717-T-C. GRCh37 (hg19) VCF-style: chr19-15355528-T-C.
Other names: c.2204A>G, p.Gln735Arg (NM_058243.3); short protein forms Q735R.
Identifiers: ClinVar variation 3632351 (VCV003632351.2).

ClinVar aggregate classification (germline): Uncertain significance (1 of 4 stars; one submission).

gnomAD v4.1: 1 of 1,614,156 alleles (0.000062%); highest among the groups gnomAD compares: Non-Finnish European, 0.000085%; no homozygotes.

Submission:

Labcorp Genetics (formerly Invitae), Labcorp
Classification: Uncertain significance. Last evaluated: 2024-03-17. Review status: criteria provided, single submitter. Criteria: Invitae Variant Classification Sherloc (09022015). Collection method: clinical testing. Allele origin: germline.
Comment: This sequence change replaces glutamine, which is neutral and polar, with arginine, which is basic and polar, at codon 735 of the BRD4 protein (p.Gln735Arg). This variant is present in population databases (rs749977426, gnomAD 0.003%). This variant has not been reported in the literature in individuals affected with BRD4-related conditions. Advanced modeling of protein sequence and biophysical properties (such as structural, functional, and spatial information, amino acid conservation, physicochemical variation, residue mobility, and thermodynamic stability) performed at Invitae indicates that this missense variant is not expected to disrupt BRD4 protein function with a negative predictive value of 80%. In summary, the available evidence is currently insufficient to determine the role of this variant in disease. Therefore, it has been classified as a Variant of Uncertain Significance.